The following is an entry in ClinVar:

ClinVar aggregate classification (germline): Uncertain significance. Review status: criteria provided, multiple submitters, no conflicts (2 of 4 stars). 2 submissions from 2 submitters: Uncertain significance (2). Last evaluated 2026-03-26.

Submissions (2):

GeneDx
Classification: Uncertain significance. Last evaluated: 2026-03-26. Review status: criteria provided, single submitter. Criteria: GeneDx Variant Classification Process June 2021. Collection method: clinical testing. Allele origin: germline.
Comment: Not observed at significant frequency in large population cohorts (gnomAD); In silico analysis suggests that this missense variant does not alter protein structure/function; Has not been previously published as pathogenic or benign to our knowledge

Dasa
Classification: Uncertain significance. Last evaluated: 2025-09-16. Review status: criteria provided, single submitter. Criteria: DASA Assertion Criteria. Collection method: clinical testing. Allele origin: germline.
Comment: NM_138383.3(MTSS2):c.1819C>T (p.Pro607Ser) is a missense variant that results in the substitution of proline with serine. This variant is absent from population databases. Computational prediction algorithms are consistent with a benign effect. The currently available literature and clinical evidence are not sufficient to establish a definitive association between this variant and the reported condition. Therefore, this variant is classified as a variant of uncertain significance.

NM_138383.3(MTSS2):c.1819C>T (p.Pro607Ser)

Gene: MTSS2 (MTSS I-BAR domain containing 2; minus strand). Cytogenetic location: 16q22.1.
Variant type: single nucleotide variant.
Coding change: c.1819C>T on transcript NM_138383.3 (MANE Select); coding-DNA position 1819, C replaced by T.
Protein change: p.Pro607Ser; replaces proline 607 with serine.
Molecular consequence: missense variant.
Genome position (GRCh38, 1-based): chr16:70,664,102, G>A on the plus strand (C>T on the coding strand, the complement: MTSS2 is on the minus strand). VCF-style: chr16-70664102-G-A. GRCh37 (hg19) VCF-style: chr16-70698005-G-A.
Other names: short protein forms P607S.
Identifiers: ClinVar variation 5017665 (VCV005017665.1).
Genomic context (GRCh38, chr16:70,664,102, plus strand): 5'-CCAGGGGTGAGGCGGTCTCGTCGGTATAGAAGACGCACTCCTCACTGCCCGCCCGTGTGG[G>A]CCCCATGTAGCCGGGGGAGTCAGGCACCGTGGGCGTCTTCACAGGGACGATGGGCGGCCG-3'
Protein context (NP_612392.1, residues 597-617): TVPDSPGYMG[Pro607Ser]TRAGSEECVF